The following is an entry in ClinVar:

NM_007103.4(NDUFV1):c.*79C>T

Genes: NDUFV1 (NADH:ubiquinone oxidoreductase core subunit V1; plus strand), LOC126861242 (CDK7 strongly-dependent group 2 enhancer GRCh37_chr11:67379204-67380403; plus strand). Cytogenetic location: 11q13.2.
Variant type: single nucleotide variant.
Coding change: c.*79C>T on transcript NM_007103.4 (MANE Select); 79 bases downstream of the stop codon, C replaced by T.
Molecular consequence: 3 prime UTR variant.
Genome position (GRCh38, 1-based): chr11:67,612,537, C>T. VCF-style: chr11-67612537-C-T. GRCh37 (hg19) VCF-style: chr11-67380008-C-T.
Other names: c.*79C>T (NM_001166102.2).
Identifiers: ClinVar variation 305760 (VCV000305760.6), dbSNP rs76839099, ClinGen allele CA10635505.

ClinVar aggregate classification (germline): Benign/Likely benign. Review status: criteria provided, multiple submitters, no conflicts (2 of 4 stars). 3 submissions from 2 submitters: Benign (1); Likely benign (2). Last evaluated 2018-01-13.

Conditions:
Mitochondrial complex I deficiency, nuclear type 1. Also called: NADH-COENZYME Q REDUCTASE DEFICIENCY; MITOCHONDRIAL NADH DEHYDROGENASE COMPONENT OF COMPLEX I, DEFICIENCY OF. Identifiers: MedGen C6022305, MONDO:0100224, OMIM 252010.
Leigh syndrome (NULS). Also called: Leigh's syndrome; Leigh Disease; Subacute necrotizing encephalopathy; Necrotizing encephalopathy infantile subacute of Leigh; LEIGH SYNDROME, NUCLEAR; Leigh's necrotizing encephalopathy. Identifiers: Orphanet 506, MedGen C2931891, MONDO:0009723, OMIM 256000.

Allele frequency attached by ClinVar (database versions not stated): gnomAD 0.00124 and 0.00187; gnomAD exomes 0.00144; TOPMed 0.00193; 1000 Genomes Project 30x 0.00859; 1000 Genomes Project 0.00919.
gnomAD v4.1: 2,237 of 1,460,702 alleles (0.15%); highest among the groups gnomAD compares: East Asian, 4.2%; 33 homozygotes.

Submissions (3):

Illumina Laboratory Services, Illumina
Classification: Likely benign for Mitochondrial complex I deficiency, nuclear type 1. Last evaluated: 2018-01-13. Review status: criteria provided, single submitter. Criteria: ICSL Variant Classification Criteria 13 December 2019. Collection method: clinical testing. Allele origin: germline.
Comment: This variant was observed in the ICSL laboratory as part of a predisposition screen in an ostensibly healthy population. It had not been previously curated by ICSL or reported in the Human Gene Mutation Database (HGMD: prior to June 1st, 2018), and was therefore a candidate for classification through an automated scoring system. Utilizing variant allele frequency, disease prevalence and penetrance estimates, and inheritance mode, an automated score was calculated to assess if this variant is too frequent to cause the disease. Based on the score and internal cut-off values, a variant classified as likely benign is not then subjected to further curation. The score for this variant resulted in a classification of likely benign for this disease.

Illumina Laboratory Services, Illumina
Classification: Benign for Leigh syndrome. Last evaluated: 2018-01-13. Review status: criteria provided, single submitter. Criteria: ICSL Variant Classification Criteria 13 December 2019. Collection method: clinical testing. Allele origin: germline.
Comment: This variant was observed in the ICSL laboratory as part of a predisposition screen in an ostensibly healthy population. It had not been previously curated by ICSL or reported in the Human Gene Mutation Database (HGMD: prior to June 1st, 2018), and was therefore a candidate for classification through an automated scoring system. Utilizing variant allele frequency, disease prevalence and penetrance estimates, and inheritance mode, an automated score was calculated to assess if this variant is too frequent to cause the disease. Based on the score and internal cut-off values, a variant classified as benign is not then subjected to further curation. The score for this variant resulted in a classification of benign for this disease.

Breakthrough Genomics
Classification: Likely benign. Review status: criteria provided, single submitter. Criteria: ACMG Guidelines, 2015. Collection method: not provided. Allele origin: germline. Inheritance: Autosomal recessive inheritance. Affected: yes.